The following is an entry in ClinVar:

NM_002283.4(KRT85):c.536T>A (p.Leu179Gln)

Gene: KRT85 (keratin 85; minus strand). Cytogenetic location: 12q13.13.
Variant type: single nucleotide variant.
Coding change: c.536T>A on transcript NM_002283.4 (MANE Select); coding-DNA position 536, T replaced by A.
Protein change: p.Leu179Gln; replaces leucine 179 with glutamine.
Molecular consequence: missense variant.
Genome position (GRCh38, 1-based): chr12:52,365,055, A>T on the plus strand (T>A on the coding strand, the complement: KRT85 is on the minus strand). VCF-style: chr12-52365055-A-T. GRCh37 (hg19) VCF-style: chr12-52758839-A-T.
Other names: short protein forms L179Q.
Identifiers: ClinVar variation 5005130 (VCV005005130.2).
Genomic context (GRCh38, chr12:52,365,055, plus strand): 5'-TGGTTGAGCTCTGAGGCCAGCCTCCCGCTGTCGGCCTCCACGCACTCGGCCTCCCGCCGC[A>T]GAGTCTCGATGTAGCCACTGAACAGTGGCTCCAGGTTGCTCTCGCAGCAGCGCTGGTTCT-3'
Protein context (NP_002274.1, residues 169-189): EPLFSGYIET[Leu179Gln]RREAECVEAD

ClinVar aggregate classification (germline): Uncertain significance (1 of 4 stars; one submission).

Conditions:
Ectodermal dysplasia 4, hair/nail type (ECTD4). Identifiers: Orphanet 69084, MedGen C4024880, MONDO:0011177, OMIM 602032.

gnomAD v4.1: 1 of 1,613,774 alleles (0.000062%); highest among the groups gnomAD compares: East Asian, 0.0022%; no homozygotes.

Submission:

Juno Genomics, Hangzhou Juno Genomics, Inc
Classification: Uncertain significance for Ectodermal dysplasia 4, hair/nail type. Review status: criteria provided, single submitter. Criteria: ACMG Guidelines, 2015. Collection method: clinical testing. Allele origin: germline.
Comment: Absent from controls (or at extremely low frequency if recessive) in Genome Aggregation Database.;Multiple lines of computational evidence support a deleterious effect on the gene or gene product.